The following is an entry in ClinVar:

ClinVar aggregate classification (germline): Likely pathogenic (1 of 4 stars; one submission).

Allele frequency attached by ClinVar (database versions not stated): TOPMed below 0.00001; gnomAD exomes below 0.00001.
gnomAD v4.1: 1 of 1,613,566 alleles (0.000062%); highest among the groups gnomAD compares: Non-Finnish European, 0.000085%; no homozygotes.

Submission:

Labcorp Genetics (formerly Invitae), Labcorp
Classification: Likely pathogenic. Last evaluated: 2023-06-25. Review status: criteria provided, single submitter. Criteria: Invitae Variant Classification Sherloc (09022015). Collection method: clinical testing. Allele origin: germline.
Comment: Algorithms developed to predict the effect of sequence changes on RNA splicing suggest that this variant may disrupt the consensus splice site. In summary, the currently available evidence indicates that the variant is pathogenic, but additional data are needed to prove that conclusively. Therefore, this variant has been classified as Likely Pathogenic. This variant has not been reported in the literature in individuals affected with RARS2-related conditions. This variant is not present in population databases (gnomAD no frequency). This sequence change affects a donor splice site in intron 7 of the RARS2 gene. It is expected to disrupt RNA splicing. Variants that disrupt the donor or acceptor splice site typically lead to a loss of protein function (PMID: 16199547), and loss-of-function variants in RARS2 are known to be pathogenic (PMID: 17847012, 22569581, 26083569).

Literature cited by the submitters: PubMed 16199547; PubMed 17847012; PubMed 22569581; PubMed 26083569.

NM_020320.5(RARS2):c.535+1G>C

Gene: RARS2 (arginyl-tRNA synthetase 2, mitochondrial; minus strand). Cytogenetic location: 6q15.
Variant type: single nucleotide variant.
Coding change: c.535+1G>C on transcript NM_020320.5 (MANE Select); the canonical splice donor site of the intron after coding-DNA position 535, G replaced by C.
Molecular consequence: splice donor variant.
Genome position (GRCh38, 1-based): chr6:87,545,615, C>G on the plus strand (G>C on the coding strand, the complement: RARS2 is on the minus strand). VCF-style: chr6-87545615-C-G. GRCh37 (hg19) VCF-style: chr6-88255333-C-G.
Other names: c.535+1G>C (NM_001350505.2); c.10+1G>C (NM_001350509.2, NM_001318785.2, NM_001350506.2 and 4 more transcripts).
Identifiers: ClinVar variation 2858596 (VCV002858596.3), dbSNP rs1782389325, ClinGen allele CA364932798.